The following is an entry in ClinVar:

ClinVar aggregate classification (germline): Uncertain significance (1 of 4 stars; one submission).

Conditions:
Cardiovascular phenotype. Identifiers: MedGen CN230736.
Hereditary cancer-predisposing syndrome. Also called: Tumor predisposition; Neoplastic Syndromes, Hereditary; Hereditary neoplastic syndrome; Hereditary Cancer Syndrome. Identifiers: Orphanet 140162, MedGen C0027672, MeSH D009386, MONDO:0015356.

Submission:

Ambry Genetics
Classification: Uncertain significance for Cardiovascular phenotype; Hereditary cancer-predisposing syndrome. Last evaluated: 2025-07-03. Review status: criteria provided, single submitter. Criteria: Ambry Variant Classification Scheme 2023. Collection method: clinical testing. Allele origin: germline.
Comment: The p.I462N variant (also known as c.1385T>A), located in coding exon 13 of the LZTR1 gene, results from a T to A substitution at nucleotide position 1385. The isoleucine at codon 462 is replaced by asparagine, an amino acid with dissimilar properties. This amino acid position is conserved. In addition, this alteration is predicted to be deleterious by in silico analysis. Based on the available evidence, the clinical significance of this variant remains unclear.

NM_006767.4(LZTR1):c.1385T>A (p.Ile462Asn)

Gene: LZTR1 (leucine zipper like post translational regulator 1; plus strand). Cytogenetic location: 22q11.21.
Variant type: single nucleotide variant.
Coding change: c.1385T>A on transcript NM_006767.4 (MANE Select); coding-DNA position 1385, T replaced by A.
Protein change: p.Ile462Asn; replaces isoleucine 462 with asparagine.
Molecular consequence: missense variant.
Genome position (GRCh38, 1-based): chr22:20,993,955, T>A. VCF-style: chr22-20993955-T-A. GRCh37 (hg19) VCF-style: chr22-21348244-T-A.
Other names: short protein forms I462N.
Identifiers: ClinVar variation 4101883 (VCV004101883.1).